The following is an entry in ClinVar:

NM_003073.3(SMARCB1):c.795+3_795+6dupAGGT

Gene: SMARCB1 (SWI/SNF related BAF chromatin remodeling complex subunit B1; plus strand). Cytogenetic location: 22q11.23.
Variant type: Microsatellite.
Coding change: c.795+3_795+6dupAGGT on transcript NM_003073.3; bases 3 to 6 of the intron after coding-DNA position 795, 4 bases duplicated (AGGT).
Genome position (GRCh38, 1-based): chr22:23,816,939-23,816,942, AGGT duplicated; duplicating any 4 consecutive bases within chr22:23,816,935-23,816,942 gives the same sequence; the c. name uses the placement nearest the transcript's 3' end. VCF-style (leftmost placement, unchanged base first): chr22-23816934-A-AAGGT. GRCh37 (hg19) VCF-style: chr22-24159121-A-AAGGT.
Identifiers: ClinVar variation 3958512 (VCV003958512.1).

ClinVar aggregate classification (germline): Uncertain significance (1 of 4 stars; one submission).

Conditions:
Hereditary cancer-predisposing syndrome. Also called: Neoplastic Syndromes, Hereditary; Tumor predisposition; Hereditary Cancer Syndrome; Hereditary neoplastic syndrome. Identifiers: Orphanet 140162, MedGen C0027672, MeSH D009386, MONDO:0015356.

Submission:

Ambry Genetics
Classification: Uncertain significance for Hereditary cancer-predisposing syndrome. Last evaluated: 2025-04-07. Review status: criteria provided, single submitter. Criteria: Ambry Variant Classification Scheme 2023. Collection method: clinical testing. Allele origin: germline.
Comment: The c.795+3_795+6dupAGGT intronic variant, results from a duplication of 4 nucleotides within intron 6 of the SMARCB1 gene. This nucleotide region is not well conserved in available vertebrate species. In silico splice site analysis predicts that this alteration will result in the creation or strengthening of a novel splice donor site. Based on the available evidence, the clinical significance of this variant remains unclear.